The following is an entry in ClinVar:

NM_001109878.2(TBX22):c.898T>C (p.Trp300Arg)

Gene: TBX22 (T-box transcription factor 22). Cytogenetic location: Xq21.1.
Variant type: single nucleotide variant.
Coding change: c.898T>C on transcript NM_001109878.2 (MANE Select); coding-DNA position 898, T replaced by C.
Protein change: p.Trp300Arg; replaces tryptophan 300 with arginine.
Molecular consequence: missense variant.
Genome position (GRCh38, 1-based): chrX:80,028,025, T>C. VCF-style: chrX-80028025-T-C. GRCh37 (hg19) VCF-style: chrX-79283524-T-C.
Other names: c.538T>C, p.Trp180Arg (NM_001109879.2, NM_001303475.1); c.898T>C, p.Trp300Arg (NM_016954.2); short protein forms W180R, W300R.
Identifiers: ClinVar variation 1050557 (VCV001050557.1), dbSNP rs371749262, ClinGen allele CA10461332.

ClinVar aggregate classification (germline): Uncertain significance (0 of 4 stars; one submission).

Allele frequency attached by ClinVar (database versions not stated): ExAC 0.00001; gnomAD 0.00001; gnomAD exomes 0.00001.
gnomAD v4.1: 1 of 1,209,716 alleles (0.000083%); highest among the groups gnomAD compares: Non-Finnish European, 0.00011%; no homozygotes.

Submission:

Department of Pathology and Laboratory Medicine, Sinai Health System
Classification: Uncertain significance. Review status: no assertion criteria provided. Collection method: clinical testing. Allele origin: unknown. Affected: yes. Study: The Canadian Open Genetics Repository (COGR).
Comment: The TBX22 p.Trp300Arg variant was not identified in the literature nor was it identified in ClinVar, Cosmic or LOVD 3.0. The variant was identified in dbSNP (ID: rs371749262) and in control databases in 1 of 183354 chromosomes at a frequency of 0.000005 (Genome Aggregation Database Feb 27, 2017). The variant was observed in the following populations: East Asian in 1 of 13836 chromosome (freq:0.00007228), while the variant was not observed in the African, Latino, Ashkenazi Jewish, European (Finnish), European (non-Finnish), Other, and South Asian populations. The p.Trp300 residue is conserved across mammals and other organisms, and four out of five computational analyses (PolyPhen-2, SIFT, BLOSUM, MutationTaster) suggest that the variant may impact the protein; however, this information is not predictive enough to assume pathogenicity. The variant occurs outside of the splicing consensus sequence and in silico or computational prediction software programs (SpliceSiteFinder, MaxEntScan, NNSPLICE, GeneSplicer) do not predict a difference in splicing. In summary, based on the above information the clinical significance of this variant cannot be determined with certainty at this time. This variant is classified as a variant of uncertain significance.